The following is an entry in ClinVar:

ClinVar aggregate classification (germline): Uncertain significance (1 of 4 stars; one submission).

Allele frequency attached by ClinVar (database versions not stated): gnomAD exomes below 0.00001; ExAC 0.00001; gnomAD 0.00003 and 0.00004; TOPMed 0.00004; ESP Exome Variant Server 0.00008.
gnomAD v4.1: 8 of 1,612,790 alleles (0.0005%); highest among the groups gnomAD compares: African/African-American, 0.011%; no homozygotes.

Submission:

Labcorp Genetics (formerly Invitae), Labcorp
Classification: Uncertain significance. Last evaluated: 2022-08-09. Review status: criteria provided, single submitter. Criteria: Invitae Variant Classification Sherloc (09022015). Collection method: clinical testing. Allele origin: germline.
Comment: This sequence change replaces leucine, which is neutral and non-polar, with histidine, which is basic and polar, at codon 364 of the LCA5 protein (p.Leu364His). This variant is present in population databases (rs374484347, gnomAD 0.008%). This variant has not been reported in the literature in individuals affected with LCA5-related conditions. ClinVar contains an entry for this variant (Variation ID: 1428428). Algorithms developed to predict the effect of missense changes on protein structure and function output the following: SIFT: "Deleterious"; PolyPhen-2: "Benign"; Align-GVGD: "Class C0". The histidine amino acid residue is found in multiple mammalian species, which suggests that this missense change does not adversely affect protein function. In summary, the available evidence is currently insufficient to determine the role of this variant in disease. Therefore, it has been classified as a Variant of Uncertain Significance.

NM_001122769.3(LCA5):c.1091T>A (p.Leu364His)

Gene: LCA5 (lebercilin LCA5; minus strand). Cytogenetic location: 6q14.1.
Variant type: single nucleotide variant.
Coding change: c.1091T>A on transcript NM_001122769.3 (MANE Select); coding-DNA position 1091, T replaced by A.
Protein change: p.Leu364His; replaces leucine 364 with histidine.
Molecular consequence: missense variant.
Genome position (GRCh38, 1-based): chr6:79,491,595, A>T on the plus strand (T>A on the coding strand, the complement: LCA5 is on the minus strand). VCF-style: chr6-79491595-A-T. GRCh37 (hg19) VCF-style: chr6-80201312-A-T.
Other names: c.1091T>A, p.Leu364His (NM_181714.4); short protein forms L364H.
Identifiers: ClinVar variation 1428428 (VCV001428428.5), dbSNP rs374484347, ClinGen allele CA3900948.